The following is an entry in ClinVar:

ClinVar aggregate classification (germline): Pathogenic/Likely pathogenic. Review status: criteria provided, multiple submitters, no conflicts (2 of 4 stars). 8 submissions from 8 submitters: Pathogenic (5); Likely pathogenic (2). 1 of the submissions does not count toward it. Last evaluated 2026-08-11.

Conditions:
Hereditary breast ovarian cancer syndrome. Also called: Hereditary breast and ovarian cancer syndrome; Breast and ovarian cancer; Hereditary breast and ovarian cancer; BRCA1- and BRCA2-Associated Hereditary Breast and Ovarian Cancer; Hereditary breast and ovarian cancer syndrome (HBOC); Hereditary breast and/or ovarian cancer syndrome. Identifiers: Orphanet 145, MedGen C0677776, MeSH D061325, MONDO:0003582. Disease mechanism: loss of function.
Familial cancer of breast. Also called: BREAST CANCER, FAMILIAL; hereditary breast carcinoma; Hereditary breast cancer. Identifiers: Orphanet 227535, MedGen C0346153, MONDO:0016419, OMIM 114480. Disease mechanism: loss of function.
Hereditary cancer-predisposing syndrome. Also called: Hereditary neoplastic syndrome; Tumor predisposition; Neoplastic Syndromes, Hereditary; Hereditary Cancer Syndrome. Identifiers: Orphanet 140162, MedGen C0027672, MeSH D009386, MONDO:0015356.

Submissions (8):

German Consortium for Hereditary Breast and Ovarian Cancer, University Hospital Cologne
Classification: Pathogenic for Hereditary breast ovarian cancer syndrome. Last evaluated: 2026-08-11. Review status: criteria provided, single submitter. Criteria: ACMG SVI. Collection method: curation. Allele origin: germline.
Comment: This classification follows the ACMG SVI adaptation classification scheme; We chose these criteria: PVS1 (very strong pathogenic): Other truncating variants 5' to p.(Trp34*) listed as pathogenic (e.g. p.Glu27* & p.Glu19*) in ClinVar; Next in-frame Methionine located at position 104 in the middle of the zf-RING-BARD1-Domain, which is necesseray for intact protein function, PS3 (medium pathogenic): Woo (2025, PMID: 41282735): Functionally abnormal, PM2 (supporting pathogenic): absent from gnomAD v2/3/4

Institute of Human Genetics, University of Leipzig Medical Center
Classification: Likely pathogenic for Familial cancer of breast. Last evaluated: 2026-08-03. Review status: criteria provided, single submitter. Criteria: ACMG Guidelines, 2015. Collection method: clinical testing. Allele origin: unknown. Inheritance: Autosomal dominant inheritance. Affected: yes.
Comment: Criteria applied: PVS1_STR,PM2_SUP,PS4_MOD

Labcorp Genetics (formerly Invitae), Labcorp
Classification: Pathogenic for Familial cancer of breast. Last evaluated: 2025-05-05. Review status: criteria provided, single submitter. Criteria: Invitae Variant Classification Sherloc (09022015). Collection method: clinical testing. Allele origin: germline.
Comment: This sequence change creates a premature translational stop signal (p.Trp34*) in the BARD1 gene. It is expected to result in an absent or disrupted protein product. Loss-of-function variants in BARD1 are known to be pathogenic (PMID: 20077502, 21344236). This variant is not present in population databases (gnomAD no frequency). This variant has not been reported in the literature in individuals affected with BARD1-related conditions. ClinVar contains an entry for this variant (Variation ID: 246476). For these reasons, this variant has been classified as Pathogenic.

Ambry Genetics
Classification: Pathogenic for Hereditary cancer-predisposing syndrome. Last evaluated: 2024-05-10. Review status: criteria provided, single submitter. Criteria: Ambry Variant Classification Scheme 2023. Collection method: clinical testing. Allele origin: germline.
Comment: The p.W34* pathogenic mutation (also known as c.102G>A), located in coding exon 1 of the BARD1 gene, results from a G to A substitution at nucleotide position 102. This changes the amino acid from a tryptophan to a stop codon within coding exon 1. This variant is considered to be rare based on population cohorts in the Genome Aggregation Database (gnomAD). This alteration is expected to result in loss of function by premature protein truncation or nonsense-mediated mRNA decay. As such, this alteration is interpreted as a disease-causing mutation.

Myriad Genetics, Inc.
Classification: Pathogenic for Familial cancer of breast. Last evaluated: 2023-05-17. Review status: criteria provided, single submitter. Criteria: Myriad Autosomal Dominant, Autosomal Recessive and X-Linked Classification Criteria (2023). Collection method: clinical testing. Allele origin: unknown.
Comment: This variant is considered pathogenic. This variant creates a termination codon and is predicted to result in premature protein truncation.

Color Diagnostics, LLC DBA Color Health
Classification: Pathogenic for Hereditary cancer-predisposing syndrome. Last evaluated: 2020-09-28. Review status: criteria provided, single submitter. Criteria: ACMG Guidelines, 2015. Collection method: clinical testing. Allele origin: germline.
Comment: This variant changes 1 nucleotide in exon 1 of the BARD1 gene, creating a premature translation stop signal. This variant is expected to result in an absent or non-functional protein product. To our knowledge, this variant has not been reported in individuals affected with hereditary cancer in the literature. This variant has not been identified in the general population by the Genome Aggregation Database (gnomAD). Loss of BARD1 function is a known mechanism of disease. Based on the available evidence, this variant is classified as Pathogenic.

GeneDx
Classification: Likely pathogenic. Last evaluated: 2017-04-11. Review status: criteria provided, single submitter. Criteria: GeneDx Variant Classification (06012015). Collection method: clinical testing. Allele origin: germline. Affected: yes.
Comment: This variant is denoted BARD1 c.102G>A at the cDNA level and p.Trp34Ter (W34X) at the protein level. The substitution creates a nonsense variant, which changes a Tryptophan to a premature stop codon (TGG>TGA), and is predicted to cause loss of normal protein function through either protein truncation or nonsense-mediated mRNA decay. Although this variant has not, to our knowledge, been reported in the literature, it is considered likely pathogenic.

BRCAlab, Lund University
Classification: Pathogenic for Familial cancer of breast. Last evaluated: 2022-08-26. Review status: no assertion criteria provided. Collection method: clinical testing. Allele origin: germline. Affected: yes. Not counted in ClinVar's aggregate classification.

Literature cited by the submitters: PubMed 20077502 (cited by Labcorp Genetics (formerly Invitae), Labcorp); PubMed 21344236 (cited by Labcorp Genetics (formerly Invitae), Labcorp).

NM_000465.4(BARD1):c.102G>A (p.Trp34Ter)

Gene: BARD1 (BRCA1 associated RING domain 1; minus strand). Cytogenetic location: 2q35.
Variant type: single nucleotide variant.
Coding change: c.102G>A on transcript NM_000465.4 (MANE Select); coding-DNA position 102, G replaced by A.
Protein change: p.Trp34Ter; replaces tryptophan 34 with a stop codon.
Molecular consequence: nonsense. On other transcripts: non-coding transcript variant (3).
Genome position (GRCh38, 1-based): chr2:214,809,468, C>T on the plus strand (G>A on the coding strand, the complement: BARD1 is on the minus strand). VCF-style: chr2-214809468-C-T. GRCh37 (hg19) VCF-style: chr2-215674192-C-T.
Other names: c.102G>A, p.Trp34Ter (NM_001282543.2, NM_001282545.2, NM_001282548.2 and 1 more transcripts); short protein forms W34*.
Identifiers: ClinVar variation 246476 (VCV000246476.39), dbSNP rs879254280, ClinGen allele CA10584185.